The following is an entry in ClinVar:

NM_000103.4(CYP19A1):c.538A>G (p.Asn180Asp)

Genes: CYP19A1 (cytochrome P450 family 19 subfamily A member 1; minus strand), PIRC66 (piwi-interacting RNA cluster 66; plus strand), MIR4713HG (MIR4713 host gene; plus strand). Cytogenetic location: 15q21.2.
Variant type: single nucleotide variant.
Coding change: c.538A>G on transcript NM_000103.4 (MANE Select); coding-DNA position 538, A replaced by G.
Protein change: p.Asn180Asp; replaces asparagine 180 with aspartic acid.
Molecular consequence: missense variant.
Genome position (GRCh38, 1-based): chr15:51,222,439, T>C on the plus strand (A>G on the coding strand, the complement: CYP19A1 is on the minus strand). VCF-style: chr15-51222439-T-C. GRCh37 (hg19) VCF-style: chr15-51514636-T-C.
Other names: c.538A>G, p.Asn180Asp (NM_001347248.1, NM_001347249.2, NM_001347250.2 and 7 more transcripts); short protein forms N180D.
Identifiers: ClinVar variation 3376992 (VCV003376992.1).

ClinVar aggregate classification (germline): Uncertain significance (1 of 4 stars; one submission).

Conditions:
Aromatase deficiency. Also called: PSEUDOHERMAPHRODITISM, FEMALE, DUE TO PLACENTAL AROMATASE DEFICIENCY; Increased aromatase activity. Identifiers: Orphanet 91, MedGen C1960539, MONDO:0013301, OMIM 613546.

gnomAD v4.1: 10 of 1,614,054 alleles (0.00062%); highest among the groups gnomAD compares: Non-Finnish European, 0.00076%; no homozygotes.

Submission:

Victorian Clinical Genetics Services, Murdoch Childrens Research Institute
Classification: Uncertain significance for Aromatase deficiency. Last evaluated: 2021-05-06. Review status: criteria provided, single submitter. Criteria: ACMG Guidelines, 2015. Collection method: clinical testing. Allele origin: germline. Inheritance: Autosomal recessive inheritance.
Comment: Based on the classification scheme VCGS_Germline_v1.3.4, this variant is classified as VUS-3C. Following criteria are met: 0102 - Loss of function is a known mechanism of disease in this gene and is associated with Aromatase deficiency (MIM#613546) (PMID: 17164303). Subchromosomal recombination events involving this gene leading to gain of function are associated with Aromatase excess syndrome (MIM#139300) (PMID: 25264451). (I) 0108 - This gene is associated with both recessive and dominant disease (OMIM, PMID: 17164303, 25264451). (I) 0200 - Variant is predicted to result in a missense amino acid change from asparagine to aspartic acid. (I) 0251 - This variant is heterozygous. (I) 0302 - Variant is present in gnomAD (v2) <0.001 for a dominant condition (5 heterozygotes, 0 homozygotes). (SP) 0309 - An alternative amino acid change at the same position has been observed in gnomAD (v2) (5 heterozygotes, 0 homozygotes). (I) 0504 - Same amino acid change has been observed in placental mammals. (SB) 0600 - Variant is located in the annotated Cytochrome P450 domain (NCBI). (I) 0705 - No comparable missense variants have previous evidence for pathogenicity. (I) 0807 - This variant has no previous evidence of pathogenicity. (I) 0905 - No published segregation evidence has been identified for this variant. (I) 1007 - No published functional evidence has been identified for this variant. (I) 1208 - Inheritance information for this variant is not currently available in this individual. (I) Legend: (SP) - Supporting pathogenic, (I) - Information, (SB) - Supporting benign

Literature cited by the submitters: PubMed 17164303; PubMed 25264451.